The following is an entry in ClinVar:

ClinVar aggregate classification (germline): Benign. Review status: criteria provided, multiple submitters, no conflicts (2 of 4 stars). 2 submissions from 2 submitters: Benign (2). Last evaluated 2018-01-13.

Conditions:
Factor 5 and Factor VIII, combined deficiency of, 2. Identifiers: Orphanet 35909, MedGen C3150889, MONDO:0013331, OMIM 613625.

Allele frequency attached by ClinVar (database versions not stated): 1000 Genomes Project 0.04014; 1000 Genomes Project 30x 0.04247; TOPMed 0.05364.

Submissions (2):

Illumina Laboratory Services, Illumina
Classification: Benign for Factor 5 and Factor VIII, combined deficiency of, 2. Last evaluated: 2018-01-13. Review status: criteria provided, single submitter. Criteria: ICSL Variant Classification Criteria 13 December 2019. Collection method: clinical testing. Allele origin: germline.
Comment: This variant was observed in the ICSL laboratory as part of a predisposition screen in an ostensibly healthy population. It had not been previously curated by ICSL or reported in the Human Gene Mutation Database (HGMD: prior to June 1st, 2018), and was therefore a candidate for classification through an automated scoring system. Utilizing variant allele frequency, disease prevalence and penetrance estimates, and inheritance mode, an automated score was calculated to assess if this variant is too frequent to cause the disease. Based on the score and internal cut-off values, a variant classified as benign is not then subjected to further curation. The score for this variant resulted in a classification of benign for this disease.

Breakthrough Genomics
Classification: Benign. Review status: criteria provided, single submitter. Criteria: ACMG Guidelines, 2015. Collection method: not provided. Allele origin: germline. Inheritance: Unknown mechanism. Affected: yes.

NM_139279.6(MCFD2):c.*1677T>G

Genes: MCFD2 (multiple coagulation factor deficiency 2, ER cargo receptor complex subunit; minus strand), MCFD2-AS1 (MCFD2 antisense RNA 1; plus strand). Cytogenetic location: 2p21.
Variant type: single nucleotide variant.
Coding change: c.*1677T>G on transcript NM_139279.6 (MANE Select); 1677 bases downstream of the stop codon, T replaced by G.
Molecular consequence: 3 prime UTR variant.
Genome position (GRCh38, 1-based): chr2:46,903,786, A>C on the plus strand (T>G on the coding strand, the complement: MCFD2 is on the minus strand). VCF-style: chr2-46903786-A-C. GRCh37 (hg19) VCF-style: chr2-47130925-A-C.
Other names: c.*1677T>G (NM_001171506.2, NM_001171507.2, NM_001171508.2 and 3 more transcripts).
Identifiers: ClinVar variation 336353 (VCV000336353.6), dbSNP rs28770495, ClinGen allele CA10613533.